The following is an entry in ClinVar:

NM_001360016.2(G6PD):c.1141T>C (p.Phe381Leu)

Gene: G6PD (glucose-6-phosphate dehydrogenase; minus strand). Cytogenetic location: Xq28.
Variant type: single nucleotide variant.
Coding change: c.1141T>C on transcript NM_001360016.2 (MANE Select); coding-DNA position 1141, T replaced by C.
Protein change: p.Phe381Leu; replaces phenylalanine 381 with leucine.
Molecular consequence: missense variant.
Genome position (GRCh38, 1-based): chrX:154,532,713, A>G on the plus strand (T>C on the coding strand, the complement: G6PD is on the minus strand). VCF-style: chrX-154532713-A-G. GRCh37 (hg19) VCF-style: chrX-153760928-A-G.
Other names: G6PD Olomouc; c.1231T>C, p.Phe411Leu (NM_000402.4); c.1141T>C, p.Phe381Leu (NM_001042351.3); short protein forms F381L, F411L.
Identifiers: ClinVar variation 1722615 (VCV001722615.2), dbSNP rs2523262831, ClinGen allele CA415234136.

ClinVar aggregate classification (germline): Likely pathogenic (1 of 4 stars; one submission).

Conditions:
Anemia, nonspherocytic hemolytic, due to G6PD deficiency (CNSHA1). Also called: Hemolytic anemia due to G6PD deficiency; Class I glucose-6-phosphate dehydrogenase deficiency; Favism, susceptibility to; ANEMIA, CONGENITAL, NONSPHEROCYTIC HEMOLYTIC, 1. Identifiers: Orphanet 466026, MedGen C2720289, MONDO:0010480, OMIM 300908.

Submission:

Dunham Lab, University of Washington
Classification: Likely pathogenic for Anemia, nonspherocytic hemolytic, due to G6PD deficiency. Last evaluated: 2022-08-12. Review status: criteria provided, single submitter. Criteria: Bayesian ACMG Guidelines, 2018. Collection method: curation. Allele origin: unknown. Affected: yes.
Comment: Decreased activity in red blood cells (5%) (PS3). Alters dimerization domain (PM1). Not found in gnomAD (PM2). Post_P 0.988 (odds of pathogenicity 729.3, Prior_P 0.1).

Literature cited by the submitters: PubMed 7803800; PubMed 31294066.